The following is an entry in ClinVar:

NM_019842.4(KCNQ5):c.1364A>G (p.Glu455Gly)

Gene: KCNQ5 (potassium voltage-gated channel subfamily Q member 5; plus strand). Cytogenetic location: 6q13.
Variant type: single nucleotide variant.
Coding change: c.1364A>G on transcript NM_019842.4 (MANE Select); coding-DNA position 1364, A replaced by G.
Protein change: p.Glu455Gly; replaces glutamic acid 455 with glycine.
Molecular consequence: missense variant. On other transcripts: intron variant (1).
Genome position (GRCh38, 1-based): chr6:73,133,537, A>G. VCF-style: chr6-73133537-A-G. GRCh37 (hg19) VCF-style: chr6-73843260-A-G.
Other names: c.1337A>G, p.Glu446Gly (NM_001160130.2); c.1394A>G, p.Glu465Gly (NM_001160132.2); c.1421A>G, p.Glu474Gly (NM_001160133.2); c.1247+9025A>G (NM_001160134.2); short protein forms E446G, E455G, E465G, E474G.
Identifiers: ClinVar variation 4690047 (VCV004690047.1).

ClinVar aggregate classification (germline): Uncertain significance (1 of 4 stars; one submission).

Submission:

GeneDx
Classification: Uncertain significance. Last evaluated: 2025-07-27. Review status: criteria provided, single submitter. Criteria: GeneDx Variant Classification Process June 2021. Collection method: clinical testing. Allele origin: germline. Affected: yes.
Comment: Not observed at significant frequency in large population cohorts (gnomAD); In silico analysis supports that this missense variant has a deleterious effect on protein structure/function; Has not been previously published as pathogenic or benign to our knowledge